The following is an entry in ClinVar:

ClinVar aggregate classification (germline): Uncertain significance. Review status: criteria provided, multiple submitters, no conflicts (2 of 4 stars). 2 submissions from 2 submitters: Uncertain significance (2). Last evaluated 2024-01-31.

Conditions:
Zellweger spectrum disorders (ZS). Also called: Zellweger syndrome; Zellweger Spectrum Disorder; Zellweger Spectrum; Zellweger Spectrum Disorder (ZSD). Identifiers: Orphanet 912, MedGen C0043459, MONDO:0019609.

Allele frequency attached by ClinVar (database versions not stated): TOPMed 0.00001; gnomAD exomes 0.00004 and 0.00008; gnomAD 0.00006; ExAC 0.00008.
gnomAD v4.1: 65 of 1,613,714 alleles (0.004%); highest among the groups gnomAD compares: South Asian, 0.0022%; no homozygotes.

Submissions (2):

Blueprint Genetics
Classification: Uncertain significance. Last evaluated: 2024-01-31. Review status: criteria provided, single submitter. Criteria: ACMG Guidelines, 2015. Collection method: clinical testing. Allele origin: germline.

Labcorp Genetics (formerly Invitae), Labcorp
Classification: Uncertain significance for Zellweger spectrum disorders. Last evaluated: 2022-06-27. Review status: criteria provided, single submitter. Criteria: Invitae Variant Classification Sherloc (09022015). Collection method: clinical testing. Allele origin: germline.
Comment: This sequence change replaces serine, which is neutral and polar, with glycine, which is neutral and non-polar, at codon 573 of the PEX1 protein (p.Ser573Gly). This variant is present in population databases (rs774417644, gnomAD 0.05%). This variant has not been reported in the literature in individuals affected with PEX1-related conditions. Algorithms developed to predict the effect of missense changes on protein structure and function are either unavailable or do not agree on the potential impact of this missense change (SIFT: "Tolerated"; PolyPhen-2: "Possibly Damaging"; Align-GVGD: "Class C0"). In summary, the available evidence is currently insufficient to determine the role of this variant in disease. Therefore, it has been classified as a Variant of Uncertain Significance.

NM_000466.3(PEX1):c.1717A>G (p.Ser573Gly)

Gene: PEX1 (peroxisomal biogenesis factor 1; minus strand). Cytogenetic location: 7q21.2.
Variant type: single nucleotide variant.
Coding change: c.1717A>G on transcript NM_000466.3 (MANE Select); coding-DNA position 1717, A replaced by G.
Protein change: p.Ser573Gly; replaces serine 573 with glycine.
Molecular consequence: missense variant.
Genome position (GRCh38, 1-based): chr7:92,507,080, T>C on the plus strand (A>G on the coding strand, the complement: PEX1 is on the minus strand). VCF-style: chr7-92507080-T-C. GRCh37 (hg19) VCF-style: chr7-92136394-T-C.
Other names: c.1717A>G, p.Ser573Gly (NM_001282677.2); c.1093A>G, p.Ser365Gly (NM_001282678.2); short protein forms S365G, S573G.
Identifiers: ClinVar variation 1400443 (VCV001400443.4), dbSNP rs774417644, ClinGen allele CA4341316.